The following is an entry in ClinVar:

ClinVar aggregate classification (germline): Uncertain significance (1 of 4 stars; one submission).

Conditions:
Neurofibromatosis, type 2 (SWNV). Also called: BILATERAL ACOUSTIC NEUROFIBROMATOSIS; SCHWANNOMATOSIS, VESTIBULAR; NF2-Related Schwannomatosis. Identifiers: Orphanet 637, MedGen C0027832, MONDO:0007039, OMIM 101000. Disease mechanism: loss of function.

gnomAD v4.1: 3 of 1,614,146 alleles (0.00019%); highest among the groups gnomAD compares: East Asian, 0.0022%; no homozygotes.

Submission:

Labcorp Genetics (formerly Invitae), Labcorp
Classification: Uncertain significance for Neurofibromatosis, type 2. Last evaluated: 2024-06-10. Review status: criteria provided, single submitter. Criteria: Invitae Variant Classification Sherloc (09022015). Collection method: clinical testing. Allele origin: germline.
Comment: This sequence change replaces glutamic acid, which is acidic and polar, with lysine, which is basic and polar, at codon 89 of the NF2 protein (p.Glu89Lys). This variant is not present in population databases (gnomAD no frequency). This variant has not been reported in the literature in individuals affected with NF2-related conditions. Advanced modeling of protein sequence and biophysical properties (such as structural, functional, and spatial information, amino acid conservation, physicochemical variation, residue mobility, and thermodynamic stability) performed at Invitae indicates that this missense variant is not expected to disrupt NF2 protein function with a negative predictive value of 80%. In summary, the available evidence is currently insufficient to determine the role of this variant in disease. Therefore, it has been classified as a Variant of Uncertain Significance.

NM_000268.4(NF2):c.265G>A (p.Glu89Lys)

Gene: NF2 (NF2, moesin-ezrin-radixin like (MERLIN) tumor suppressor; plus strand). Cytogenetic location: 22q12.2.
Variant type: single nucleotide variant.
Coding change: c.265G>A on transcript NM_000268.4 (MANE Select); coding-DNA position 265, G replaced by A.
Protein change: p.Glu89Lys; replaces glutamic acid 89 with lysine.
Molecular consequence: missense variant. On other transcripts: 5 prime UTR variant (1), intron variant (8).
Genome position (GRCh38, 1-based): chr22:29,639,114, G>A. VCF-style: chr22-29639114-G-A. GRCh37 (hg19) VCF-style: chr22-30035103-G-A.
Other names: c.151G>A, p.Glu51Lys (NM_001407053.1, NM_001407056.1); c.139G>A, p.Glu47Lys (NM_001407055.1, NM_181828.3); c.265G>A, p.Glu89Lys (NM_001407057.1, NM_001407059.1, NM_001407060.1 and 5 more transcripts); c.-376G>A (NM_001407065.1); c.34G>A, p.Glu12Lys (NM_001407067.1); c.240+2238G>A (NM_001407058.1, NM_181829.3, NM_001407054.1 and 1 more transcripts); c.115-3088G>A (NM_001407063.1, NM_181830.3, NM_001407064.1 and 1 more transcripts); short protein forms E12K, E47K, E51K, E89K.
Identifiers: ClinVar variation 3668364 (VCV003668364.2).
Genomic context (GRCh38, chr22:29,639,114, plus strand): 5'-TATAGTGTGTTTGTCTTTTGCTCTGCAATTCTGCAGGTACTGGATCATGATGTTTCAAAG[G>A]AAGAACCAGTCACCTTTCACTTCTTGGCCAAATTTTATCCTGAGAATGCTGAAGAGGAGC-3'
Protein context (NP_000259.1, residues 79-99): KKVLDHDVSK[Glu89Lys]EPVTFHFLAK